The following is an entry in ClinVar:

NM_001042681.2(RERE):c.3925ATCCGAGAGCGGGAG[4] (p.1309IRERE[4])

Gene: RERE (arginine-glutamic acid dipeptide repeats; minus strand). Cytogenetic location: 1p36.23.
Variant type: Microsatellite.
Coding change: c.3925ATCCGAGAGCGGGAG[4] on transcript NM_001042681.2 (MANE Select); four copies in a row of the 15-base unit ATCCGAGAGCGGGAG starting at c.3925; the reference has two copies in a row; two copies, 30 bases duplicated.
Protein change: p.1309IRERE[4].
Molecular consequence: inframe insertion.
Genome position (GRCh38, 1-based): chr1:8,358,581-8,358,610, CTCCCGCTCTCGGATCTCCCGCTCTCGGAT duplicated on the plus strand (ATCCGAGAGCGGGAGATCCGAGAGCGGGAG on the coding strand, the reverse complement: RERE is on the minus strand); duplicating any 30 consecutive bases within chr1:8,358,581-8,358,619 gives the same sequence; the position shown is the placement nearest the transcript's 3' end. VCF-style (leftmost placement, unchanged base first): chr1-8358580-G-GCTCCCGCTCTCGGATCTCCCGCTCTCGGAT. GRCh37 (hg19) VCF-style: chr1-8418640-G-GCTCCCGCTCTCGGATCTCCCGCTCTCGGAT.
Other names: c.2263ATCCGAGAGCGGGAG[4], p.755IRERE[4] (NM_001042682.2); c.3925ATCCGAGAGCGGGAG[4], p.1309IRERE[4] (NM_012102.4).
Identifiers: ClinVar variation 1035237 (VCV001035237.8), dbSNP rs776543471, ClinGen allele CA570935.

ClinVar aggregate classification (germline): Uncertain significance (1 of 4 stars; one submission).

Submission:

Labcorp Genetics (formerly Invitae), Labcorp
Classification: Uncertain significance. Last evaluated: 2017-09-04. Review status: criteria provided, single submitter. Criteria: Invitae Variant Classification Sherloc (09022015). Collection method: clinical testing. Allele origin: germline.
Comment: In summary, the available evidence is currently insufficient to determine the role of this variant in disease. Therefore, it has been classified as a Variant of Uncertain Significance. Experimental studies and prediction algorithms are not available for this variant, and the functional significance of the duplicated amino acids is currently unknown. This variant has not been reported in the literature in individuals with RERE-related disease. The frequency data for this variant in the population databases is considered unreliable, as metrics indicate poor data quality at this position in the ExAC database. This variant, c.3925_3954dup, results in the insertion of 10 amino acids to the RERE protein (p.Ile1309_Glu1318dup), but otherwise preserves the integrity of the reading frame.